The following is an entry in ClinVar:

ClinVar aggregate classification (germline): Uncertain significance (1 of 4 stars; one submission).

Conditions:
Short QT syndrome. Also called: Familial short QT syndrome. Identifiers: Orphanet 51083, MedGen C2348199, MONDO:0000453.

Submission:

Petrovsky National Research Centre of Surgery, The Federal Agency for Scientific Organizations
Classification: Uncertain significance for Short QT syndrome. Last evaluated: 2023-10-09. Review status: criteria provided, single submitter. Criteria: ACMG Guidelines, 2015. Collection method: clinical testing. Allele origin: germline. Affected: yes.
Comment: This variant is absent in The Genome Aggregation Database (gnomAD) v2.1.1 and v.3.1.2 (Date of access with 09-10-2023). Splicing prediction tools suggest damaging effect of the substitution by loss of canonical acceptor splice site and gain of the new site 16bp further on forward strand. This variant has not been reported in any study to our knowledge. In accordance with ACMG(2015) criteria this variant is classified as Variant of Uncertain Significance (VUS) with following criteria selected: PM2.

NM_014000.3(VCL):c.1177-3T>G

Gene: VCL (vinculin; plus strand). Cytogenetic location: 10q22.2.
Variant type: single nucleotide variant.
Coding change: c.1177-3T>G on transcript NM_014000.3 (MANE Select); 3 bases into the intron before coding-DNA position 1177, T replaced by G.
Molecular consequence: intron variant.
Genome position (GRCh38, 1-based): chr10:74,090,020, T>G. VCF-style: chr10-74090020-T-G. GRCh37 (hg19) VCF-style: chr10-75849778-T-G.
Other names: chr10:75849778-T-G; c.1177-3T>G (NM_003373.4).
Identifiers: ClinVar variation 2664945 (VCV002664945.2), dbSNP rs2549223246, ClinGen allele CA2695199547.